The following is an entry in ClinVar:

NM_020964.3(EPG5):c.4588C>T (p.Gln1530Ter)

Gene: EPG5 (ectopic P-granules 5 autophagy tethering factor; minus strand). Cytogenetic location: 18q21.1.
Variant type: single nucleotide variant.
Coding change: c.4588C>T on transcript NM_020964.3 (MANE Select); coding-DNA position 4588, C replaced by T.
Protein change: p.Gln1530Ter; replaces glutamine 1530 with a stop codon.
Molecular consequence: nonsense.
Genome position (GRCh38, 1-based): chr18:45,901,054, G>A on the plus strand (C>T on the coding strand, the complement: EPG5 is on the minus strand). VCF-style: chr18-45901054-G-A. GRCh37 (hg19) VCF-style: chr18-43481019-G-A.
Other names: c.4588C>T, p.Gln1530Ter (LRG_1234t1); short protein forms Q1530*.
Identifiers: ClinVar variation 39980 (VCV000039980.4), dbSNP rs587776939, ClinGen allele CA214396.
Genomic context (GRCh38, chr18:45,901,054, plus strand): 5'-ACCTGGCCTGCTGTTGCAACAGATTCAGGTCTGTGCACACCAGCTGGGTGGCGTCCTTCT[G>A]ACTCAATAGCACAGCAGAGGAAATAACTGGCACAGGAGGCTTCGTCGGGTGCAGAGCAAG-3'

ClinVar aggregate classification (germline): Pathogenic. Review status: criteria provided, multiple submitters, no conflicts (2 of 4 stars). 3 submissions from 3 submitters: Pathogenic (2). 1 of the submissions does not count toward it. Last evaluated 2026-01-01.

Conditions:
Vici syndrome (VICIS). Identifiers: Orphanet 1493, MedGen C1855772, MONDO:0009452, OMIM 242840.

Submissions (3):

Labcorp Genetics (formerly Invitae), Labcorp
Classification: Pathogenic for Vici syndrome. Last evaluated: 2026-01-01. Review status: criteria provided, single submitter. Criteria: Invitae Variant Classification Sherloc (09022015). Collection method: clinical testing. Allele origin: germline.
Comment: This sequence change creates a premature translational stop signal (p.Gln1530*) in the EPG5 gene. It is expected to result in an absent or disrupted protein product. Loss-of-function variants in EPG5 are known to be pathogenic (PMID: 23222957, 23674064, 40192014). This variant is not present in population databases (gnomAD no frequency). This premature translational stop signal has been observed in individual(s) with Vici syndrome (PMID: 23222957). ClinVar contains an entry for this variant (Variation ID: 39980). For these reasons, this variant has been classified as Pathogenic.

SIB Swiss Institute of Bioinformatics
Classification: Pathogenic for Vici syndrome. Last evaluated: 2019-01-17. Review status: criteria provided, single submitter. Criteria: ACMG Guidelines, 2015. Collection method: curation. Allele origin: unknown.
Comment: This variant is interpreted as a Pathogenic for Vici syndrome, autosomal recessive. The following ACMG Tag(s) were applied: PM2 => Absent from controls (or at extremely low frequency if recessive) in Exome Sequencing Project, 1000 Genomes Project, or Exome Aggregation Consortium. PVS1 => Predicted nullvariant in a gene where LOF is a known mechanism of disease. PM3 => For recessive disorders, detected in trans with a pathogenic variant (PMID:23222957).

ClinGen:CA214396

OMIM
Classification: Pathogenic for VICI SYNDROME. Last evaluated: 2013-01-01. Review status: no assertion criteria provided. Collection method: literature only. Allele origin: germline. Not counted in ClinVar's aggregate classification.

Literature cited by the submitters: PubMed 23222957 (cited by 3 submitters); PubMed 23674064 (cited by Labcorp Genetics (formerly Invitae), Labcorp); PubMed 40192014 (cited by Labcorp Genetics (formerly Invitae), Labcorp); PubMed 3344762 (cited by OMIM).